The following is an entry in ClinVar:

NM_020987.5(ANK3):c.8045C>T (p.Thr2682Ile)

Gene: ANK3 (ankyrin 3; minus strand). Cytogenetic location: 10q21.2.
Variant type: single nucleotide variant.
Coding change: c.8045C>T on transcript NM_020987.5 (MANE Select); coding-DNA position 8045, C replaced by T.
Protein change: p.Thr2682Ile; replaces threonine 2682 with isoleucine.
Molecular consequence: missense variant. On other transcripts: intron variant (4).
Genome position (GRCh38, 1-based): chr10:60,072,836, G>A on the plus strand (C>T on the coding strand, the complement: ANK3 is on the minus strand). VCF-style: chr10-60072836-G-A. GRCh37 (hg19) VCF-style: chr10-61832594-G-A.
Other names: c.4388-4827C>T (NM_001204403.2); c.4409-4827C>T (NM_001204404.2); c.4406-4827C>T (NM_001320874.2); c.1808-4827C>T (NM_001149.4); short protein forms T2682I.
Identifiers: ClinVar variation 2755132 (VCV002755132.3), dbSNP rs2492546069, ClinGen allele CA377008713.

ClinVar aggregate classification (germline): Uncertain significance (1 of 4 stars; one submission).

Submission:

Labcorp Genetics (formerly Invitae), Labcorp
Classification: Uncertain significance. Last evaluated: 2023-09-03. Review status: criteria provided, single submitter. Criteria: Invitae Variant Classification Sherloc (09022015). Collection method: clinical testing. Allele origin: germline.
Comment: This sequence change replaces threonine, which is neutral and polar, with isoleucine, which is neutral and non-polar, at codon 2682 of the ANK3 protein (p.Thr2682Ile). This variant is not present in population databases (gnomAD no frequency). This variant has not been reported in the literature in individuals affected with ANK3-related conditions. Advanced modeling of protein sequence and biophysical properties (such as structural, functional, and spatial information, amino acid conservation, physicochemical variation, residue mobility, and thermodynamic stability) performed at Invitae indicates that this missense variant is not expected to disrupt ANK3 protein function. In summary, the available evidence is currently insufficient to determine the role of this variant in disease. Therefore, it has been classified as a Variant of Uncertain Significance.